The following is an entry in ClinVar:

NM_025132.4(WDR19):c.2972A>G (p.Asn991Ser)

Gene: WDR19 (WD repeat domain 19; plus strand). Cytogenetic location: 4p14.
Variant type: single nucleotide variant.
Coding change: c.2972A>G on transcript NM_025132.4 (MANE Select); coding-DNA position 2972, A replaced by G.
Protein change: p.Asn991Ser; replaces asparagine 991 with serine.
Molecular consequence: missense variant.
Genome position (GRCh38, 1-based): chr4:39,254,001, A>G. VCF-style: chr4-39254001-A-G. GRCh37 (hg19) VCF-style: chr4-39255621-A-G.
Other names: c.2972A>G (NM_025132.3); c.2492A>G, p.Asn831Ser (NM_001317924.2); short protein forms N991S, N831S.
Identifiers: ClinVar variation 1522330 (VCV001522330.6), dbSNP rs763190830, ClinGen allele CA2892226.

ClinVar aggregate classification (germline): Uncertain significance. Review status: criteria provided, multiple submitters, no conflicts (2 of 4 stars). 3 submissions from 3 submitters: Uncertain significance (3). Last evaluated 2025-04-30.

Conditions:
Asphyxiating thoracic dystrophy 5 (SRTD5). Also called: SHORT-RIB THORACIC DYSPLASIA 5 WITH OR WITHOUT POLYDACTYLY; SHORT-RIB THORACIC DYSPLASIA 5 WITHOUT POLYDACTYLY. Identifiers: Orphanet 474, MedGen C3280598, MONDO:0013717, OMIM 614376.
Senior-Loken syndrome 8 (SLSN8). Identifiers: Orphanet 3156, MedGen C4225376, MONDO:0014579, OMIM 616307.
Spermatogenic failure 72 (SPGF72). Identifiers: MedGen C5676980, MONDO:0030809, OMIM 619867.
Nephronophthisis 13 (NPHP13). Identifiers: Orphanet 655, MedGen C3280612, MONDO:0013718, OMIM 614377.
Cranioectodermal dysplasia 4 (CED4). Identifiers: Orphanet 1515, MedGen C3280616, MONDO:0013719, OMIM 614378.
Inborn genetic diseases. Identifiers: MedGen C0950123, MeSH D030342.

Allele frequency attached by ClinVar (database versions not stated): ExAC 0.00003; gnomAD 0.00003; gnomAD exomes 0.00004 and 0.00008; TOPMed 0.00006.
gnomAD v4.1: 26 of 1,612,452 alleles (0.0016%); highest among the groups gnomAD compares: Admixed American, 0.043%; no homozygotes.

Submissions (3):

Ambry Genetics
Classification: Uncertain significance for Inborn genetic diseases. Last evaluated: 2025-04-30. Review status: criteria provided, single submitter. Criteria: Ambry Variant Classification Scheme 2023. Collection method: clinical testing. Allele origin: germline.

Fulgent Genetics
Classification: Uncertain significance for Asphyxiating thoracic dystrophy 5; Nephronophthisis 13; Cranioectodermal dysplasia 4; Senior-Loken syndrome 8; Spermatogenic failure 72. Last evaluated: 2024-05-30. Review status: criteria provided, single submitter. Criteria: ACMG Guidelines, 2015. Collection method: clinical testing. Allele origin: germline.

Labcorp Genetics (formerly Invitae), Labcorp
Classification: Uncertain significance for Senior-Loken syndrome 8; Asphyxiating thoracic dystrophy 5. Last evaluated: 2023-05-15. Review status: criteria provided, single submitter. Criteria: Invitae Variant Classification Sherloc (09022015). Collection method: clinical testing. Allele origin: germline.
Comment: ClinVar contains an entry for this variant (Variation ID: 1522330). This variant has not been reported in the literature in individuals affected with WDR19-related conditions. This variant is present in population databases (rs763190830, gnomAD 0.06%). This sequence change replaces asparagine, which is neutral and polar, with serine, which is neutral and polar, at codon 991 of the WDR19 protein (p.Asn991Ser). Advanced modeling of protein sequence and biophysical properties (such as structural, functional, and spatial information, amino acid conservation, physicochemical variation, residue mobility, and thermodynamic stability) performed at Invitae indicates that this missense variant is not expected to disrupt WDR19 protein function. In summary, the available evidence is currently insufficient to determine the role of this variant in disease. Therefore, it has been classified as a Variant of Uncertain Significance.